The following is an entry in ClinVar:

ClinVar aggregate classification (germline): Uncertain significance. Review status: criteria provided, multiple submitters, no conflicts (2 of 4 stars). 6 submissions from 5 submitters: Uncertain significance (5). 1 of the submissions does not count toward it. Last evaluated 2023-11-04.

Conditions:
Usher syndrome type 2A. Also called: USHER SYNDROME, TYPE IIA; RETINAL DISEASE IN USHER SYNDROME TYPE IIA, MODIFIER OF. Identifiers: Orphanet 231178, Orphanet 886, MedGen C1848634, MONDO:0010169, OMIM 276901.
Retinitis pigmentosa 39 (RP39). Identifiers: Orphanet 791, MedGen C3151138, MONDO:0013436, OMIM 613809.

Allele frequency attached by ClinVar (database versions not stated): gnomAD 0.00001; TOPMed 0.00001; ExAC 0.00002; gnomAD exomes 0.00002.
gnomAD v4.1: 10 of 1,613,264 alleles (0.00062%); highest among the groups gnomAD compares: East Asian, 0.02%; no homozygotes.

Submissions (6):

Genome-Nilou Lab
Classification: Uncertain significance for Retinitis pigmentosa 39. Last evaluated: 2023-11-04. Review status: criteria provided, single submitter. Criteria: ACMG Guidelines, 2015. Collection method: clinical testing. Allele origin: germline. Affected: no.

Genome-Nilou Lab
Classification: Uncertain significance for Usher syndrome type 2A. Last evaluated: 2023-11-04. Review status: criteria provided, single submitter. Criteria: ACMG Guidelines, 2015. Collection method: clinical testing. Allele origin: germline. Affected: no.

Labcorp Genetics (formerly Invitae), Labcorp
Classification: Uncertain significance. Last evaluated: 2022-09-01. Review status: criteria provided, single submitter. Criteria: Invitae Variant Classification Sherloc (09022015). Collection method: clinical testing. Allele origin: germline.
Comment: This sequence change replaces glycine, which is neutral and non-polar, with aspartic acid, which is acidic and polar, at codon 2017 of the USH2A protein (p.Gly2017Asp). This variant is present in population databases (rs397518024, gnomAD 0.04%). This variant has not been reported in the literature in individuals affected with USH2A-related conditions. ClinVar contains an entry for this variant (Variation ID: 48551). Algorithms developed to predict the effect of missense changes on protein structure and function (SIFT, PolyPhen-2, Align-GVGD) all suggest that this variant is likely to be disruptive. In summary, the available evidence is currently insufficient to determine the role of this variant in disease. Therefore, it has been classified as a Variant of Uncertain Significance.

Blueprint Genetics
Classification: Uncertain significance. Last evaluated: 2022-07-04. Review status: criteria provided, single submitter. Criteria: ACMG Guidelines, 2015. Collection method: clinical testing. Allele origin: germline.

Laboratory for Molecular Medicine, Mass General Brigham Personalized Medicine
Classification: Uncertain significance. Last evaluated: 2011-02-08. Review status: criteria provided, single submitter. Criteria: LMM Criteria. Collection method: clinical testing. Allele origin: germline. Observed: 1 variant allele.
Comment: The Gly2017Asp variant in USH2A has not been reported in the literature. This re sidue is conserved across species and computational analyses (PolyPhen2, SIFT, A lignGVGD, MAPP) suggest that the Gly2017Asp variant may impact the protein. Howe ver, this information is not predictive enough to assume pathogenicity. It shoul d be noted that this lab has only sequenced the USH2A gene in 16 Asian probands and no Asian healthy controls. In addition, healthy control information is unava ilable from either public databases or scientific literature, such that the full spectrum of benign variation has not yet been defined for this population. Futu re analysis could reveal that the Gly2017Asp variant is common in this populatio n and therefore unlikely to be pathogenic. In summary, the clinical significance of this variant cannot be determined with certainty at this time.

Natera, Inc.
Classification: Uncertain significance for Usher syndrome type 2A. Last evaluated: 2019-11-11. Review status: no assertion criteria provided. Collection method: clinical testing. Allele origin: germline. Not counted in ClinVar's aggregate classification.

NM_206933.4(USH2A):c.6050G>A (p.Gly2017Asp)

Gene: USH2A (usherin; minus strand). Cytogenetic location: 1q41.
Variant type: single nucleotide variant.
Coding change: c.6050G>A on transcript NM_206933.4 (MANE Select); coding-DNA position 6050, G replaced by A.
Protein change: p.Gly2017Asp; replaces glycine 2017 with aspartic acid.
Molecular consequence: missense variant.
Genome position (GRCh38, 1-based): chr1:216,048,647, C>T on the plus strand (G>A on the coding strand, the complement: USH2A is on the minus strand). VCF-style: chr1-216048647-C-T. GRCh37 (hg19) VCF-style: chr1-216221989-C-T.
Other names: short protein forms G2017D.
Identifiers: ClinVar variation 48551 (VCV000048551.10), dbSNP rs397518024, ClinGen allele CA143542.